The following is an entry in ClinVar:

NM_152424.4(AMER1):c.622G>A (p.Val208Met)

Gene: AMER1 (APC membrane recruitment protein 1; minus strand). Cytogenetic location: Xq11.2.
Variant type: single nucleotide variant.
Coding change: c.622G>A on transcript NM_152424.4 (MANE Select); coding-DNA position 622, G replaced by A.
Protein change: p.Val208Met; replaces valine 208 with methionine.
Molecular consequence: missense variant.
Genome position (GRCh38, 1-based): chrX:64,192,665, C>T on the plus strand (G>A on the coding strand, the complement: AMER1 is on the minus strand). VCF-style: chrX-64192665-C-T. GRCh37 (hg19) VCF-style: chrX-63412545-C-T.
Other names: short protein forms V208M.
Identifiers: ClinVar variation 2894910 (VCV002894910.3), dbSNP rs772338892, ClinGen allele CA10432449.

ClinVar aggregate classification (germline): Uncertain significance (1 of 4 stars; one submission).

Allele frequency attached by ClinVar (database versions not stated): TOPMed 0.00001; ExAC 0.00001.
gnomAD v4.1: 30 of 1,167,044 alleles (0.0026%); highest among the groups gnomAD compares: Middle Eastern, 0.024%; no homozygotes.

Submission:

Labcorp Genetics (formerly Invitae), Labcorp
Classification: Uncertain significance. Last evaluated: 2025-07-01. Review status: criteria provided, single submitter. Criteria: Invitae Variant Classification Sherloc (09022015). Collection method: clinical testing. Allele origin: germline.
Comment: This sequence change replaces valine, which is neutral and non-polar, with methionine, which is neutral and non-polar, at codon 208 of the AMER1 protein (p.Val208Met). This variant is present in population databases (rs772338892, gnomAD 0.002%). This variant has not been reported in the literature in individuals affected with AMER1-related conditions. ClinVar contains an entry for this variant (Variation ID: 2894910). An algorithm developed to predict the effect of missense changes on protein structure and function outputs the following: PolyPhen-2: "Benign". The methionine amino acid residue is found in multiple mammalian species, which suggests that this missense change does not adversely affect protein function. In summary, the available evidence is currently insufficient to determine the role of this variant in disease. Therefore, it has been classified as a Variant of Uncertain Significance.